The following is an entry in ClinVar:

ClinVar aggregate classification (germline): Uncertain significance. Review status: criteria provided, multiple submitters, no conflicts (2 of 4 stars). 2 submissions from 2 submitters: Uncertain significance (2). Last evaluated 2025-11-07.

Conditions:
A2ML1-related disorder. Also called: A2ML1-related condition.

gnomAD v4.1: 25 of 1,613,724 alleles (0.0015%); highest among the groups gnomAD compares: Non-Finnish European, 0.002%; no homozygotes.

Submissions (2):

Ambry Genetics
Classification: Uncertain significance. Last evaluated: 2025-11-07. Review status: criteria provided, single submitter. Criteria: Ambry Variant Classification Scheme 2023. Collection method: clinical testing. Allele origin: germline.
Comment: The p.R1359S variant (also known as c.4075C>A), located in coding exon 32 of the A2ML1 gene, results from a C to A substitution at nucleotide position 4075. The arginine at codon 1359 is replaced by serine, an amino acid with dissimilar properties. This amino acid position is conserved. In addition, this alteration is predicted to be tolerated by in silico analysis. Since supporting evidence is limited at this time, the clinical significance of this alteration remains unclear.

PreventionGenetics, part of Exact Sciences
Classification: Uncertain significance for A2ML1-related condition. Last evaluated: 2025-01-03. Review status: criteria provided, single submitter. Criteria: ACMG Guidelines, 2015. Collection method: clinical testing. Allele origin: germline.
Comment: The A2ML1 c.4075C>A variant is predicted to result in the amino acid substitution p.Arg1359Ser. To our knowledge, this variant has not been reported in the literature. This variant is reported in 0.0018% of alleles in individuals of European (Non-Finnish) descent in gnomAD. At this time, the clinical significance of this variant is uncertain due to the absence of conclusive functional and genetic evidence.

NM_144670.6(A2ML1):c.4075C>A (p.Arg1359Ser)

Gene: A2ML1 (alpha-2-macroglobulin like 1; plus strand). Cytogenetic location: 12p13.31.
Variant type: single nucleotide variant.
Coding change: c.4075C>A on transcript NM_144670.6 (MANE Select); coding-DNA position 4075, C replaced by A.
Protein change: p.Arg1359Ser; replaces arginine 1359 with serine.
Molecular consequence: missense variant.
Genome position (GRCh38, 1-based): chr12:8,868,550, C>A. VCF-style: chr12-8868550-C-A. GRCh37 (hg19) VCF-style: chr12-9021146-C-A.
Other names: c.4075C>A (NM_144670.5); c.2602C>A, p.Arg868Ser (NM_001282424.3); short protein forms R1359S, R868S.
Identifiers: ClinVar variation 1737579 (VCV001737579.4), dbSNP rs764337367, ClinGen allele CA232632977.